The following is an entry in ClinVar:

NM_000530.8(MPZ):c.166G>A (p.Glu56Lys)

Gene: MPZ (myelin protein zero; minus strand). Cytogenetic location: 1q23.3.
Variant type: single nucleotide variant.
Coding change: c.166G>A on transcript NM_000530.8 (MANE Select); coding-DNA position 166, G replaced by A.
Protein change: p.Glu56Lys; replaces glutamic acid 56 with lysine.
Molecular consequence: missense variant.
Genome position (GRCh38, 1-based): chr1:161,307,326, C>T on the plus strand (G>A on the coding strand, the complement: MPZ is on the minus strand). VCF-style: chr1-161307326-C-T. GRCh37 (hg19) VCF-style: chr1-161277116-C-T.
Other names: p.Glu56Lys; c.166G>A (LRG_256t1); c.166G>A, p.Glu56Lys (NM_001315491.2); short protein forms E56K.
Identifiers: ClinVar variation 637772 (VCV000637772.14), dbSNP rs1571820067, ClinGen allele CA343350950.
Genomic context (GRCh38, chr1:161,307,326, plus strand): 5'-CATCTCTGCCCCCTTCGGGCTGGTAGCGCCAGGTGAAGGAGATGTCATCTGAGACCCACT[C>T]ACTGGACCAGAAGGAGCAGTGCAGGGTCACCCGGGAGCCCACAGCACCATGGACCTCCCT-3'
Protein context (NP_000521.2, residues 46-66): VTLHCSFWSS[Glu56Lys]WVSDDISFTW

ClinVar aggregate classification (germline): Conflicting classifications of pathogenicity. Review status: criteria provided, conflicting classifications (1 of 4 stars). 5 submissions from 5 submitters: Likely pathogenic (1); Uncertain significance (3). 1 of the submissions does not count toward it. Last evaluated 2025-06-24.

Conditions:
Charcot-Marie-Tooth disease. Also called: Charcot-Marie-Tooth Hereditary Neuropathy; Charcot-Marie-Tooth Neuropathy. Identifiers: Orphanet 166, MedGen C0007959, MONDO:0015626.
Charcot-Marie-Tooth disease, type I (CMT1). Also called: Charcot-Marie-Tooth disease type 1; Charcot-Marie-Tooth, Type 1. Identifiers: Orphanet 65753, MedGen C0751036, MONDO:0019011.
Inborn genetic diseases. Identifiers: MedGen C0950123, MeSH D030342.

Submissions (5):

Mayo Clinic Laboratories, Mayo Clinic
Classification: Uncertain significance. Last evaluated: 2025-06-24. Review status: criteria provided, single submitter. Criteria: ACMG Guidelines, 2015. Collection method: clinical testing. Allele origin: germline. Observed: 1 variant allele.
Comment: PP1_moderate, PM2_supporting, PS4_moderate

Labcorp Genetics (formerly Invitae), Labcorp
Classification: Uncertain significance for Charcot-Marie-Tooth disease, type I. Last evaluated: 2023-03-07. Review status: criteria provided, single submitter. Criteria: Invitae Variant Classification Sherloc (09022015). Collection method: clinical testing. Allele origin: germline.
Comment: This sequence change replaces glutamic acid, which is acidic and polar, with lysine, which is basic and polar, at codon 56 of the MPZ protein (p.Glu56Lys). This variant is not present in population databases (gnomAD no frequency). This missense change has been observed in individuals with Charcot-Marie-Tooth disease (PMID: 14871447, 21149811). It has also been observed to segregate with disease in related individuals. ClinVar contains an entry for this variant (Variation ID: 637772). Advanced modeling of protein sequence and biophysical properties (such as structural, functional, and spatial information, amino acid conservation, physicochemical variation, residue mobility, and thermodynamic stability) performed at Invitae indicates that this missense variant is not expected to disrupt MPZ protein function. In summary, the available evidence is currently insufficient to determine the role of this variant in disease. Therefore, it has been classified as a Variant of Uncertain Significance.

Ambry Genetics
Classification: Uncertain significance for Inborn genetic diseases. Last evaluated: 2021-06-23. Review status: criteria provided, single submitter. Criteria: Ambry Variant Classification Scheme 2023. Collection method: clinical testing. Allele origin: germline.
Comment: The p.E56K variant (also known as c.166G>A), located in coding exon 2 of the MPZ gene, results from a G to A substitution at nucleotide position 166. The glutamic acid at codon 56 is replaced by lysine, an amino acid with similar properties. This variant has been described in multiple Charcot-Marie-Tooth disease (CMT) cohorts, and it has been found to segregate with different types of CMT in different families (Benedetti S et al. Arch Neurol, 2010 Dec;67:1498-505; Kochanski A et al. J Peripher Nerv Syst, 2004 Mar;9:1-2; Gentile L et al. Neurol Sci, 2020 May;41:1239-1243). This amino acid position is well conserved in available vertebrate species. In addition, this alteration is predicted to be deleterious by in silico analysis. Since supporting evidence is limited at this time, the clinical significance of this alteration remains unclear.

Institute of Medical Genetics and Applied Genomics, University Hospital Tübingen
Classification: Likely pathogenic. Last evaluated: 2020-10-23. Review status: criteria provided, single submitter. Criteria: ACMG Guidelines, 2015. Collection method: clinical testing. Allele origin: germline. Inheritance: Autosomal unknown. Affected: yes.

Inherited Neuropathy Consortium
Classification: Uncertain significance for Charcot-Marie-Tooth disease. Review status: no assertion criteria provided. Collection method: literature only. Allele origin: germline. Affected: yes. Not counted in ClinVar's aggregate classification.

Literature cited by the submitters: PubMed 14871447 (cited by 4 submitters); PubMed 15094849 (cited by Mayo Clinic Laboratories, Mayo Clinic); PubMed 16012907 (cited by Mayo Clinic Laboratories, Mayo Clinic); PubMed 21149811 (cited by 3 submitters); PubMed 26135405 (cited by Mayo Clinic Laboratories, Mayo Clinic); PubMed 31902012 (cited by Mayo Clinic Laboratories, Mayo Clinic and Ambry Genetics).